The following is an entry in ClinVar:

ClinVar aggregate classification (germline): Uncertain significance. Review status: criteria provided, multiple submitters, no conflicts (2 of 4 stars). 4 submissions from 4 submitters: Uncertain significance (4). Last evaluated 2024-10-07.

Conditions:
Hereditary nonpolyposis colorectal neoplasms. Identifiers: MedGen C0009405, MeSH D003123.
Hereditary cancer-predisposing syndrome. Also called: Neoplastic Syndromes, Hereditary; Tumor predisposition; Hereditary neoplastic syndrome; Hereditary Cancer Syndrome. Identifiers: Orphanet 140162, MedGen C0027672, MeSH D009386, MONDO:0015356.

Submissions (4):

Ambry Genetics
Classification: Uncertain significance for Hereditary cancer-predisposing syndrome. Last evaluated: 2024-10-07. Review status: criteria provided, single submitter. Criteria: Ambry Variant Classification Scheme 2023. Collection method: clinical testing. Allele origin: germline.
Comment: The p.D1058G variant (also known as c.3173A>G), located in coding exon 5 of the MSH6 gene, results from a A to G substitution at nucleotide position 3173. This variant impacts the first base pair of coding exon 5. The aspartic acid at codon 1058 is replaced by glycine, an amino acid with similar properties. Based on internal structural analysis, this variant is anticipated to result in a significant decrease in structural stability (Ambry Internal Data; Warren JJ et al. Mol. Cell 2007 May;26(4):579-92). This amino acid position is highly conserved in available vertebrate species. In addition, this alteration is predicted to be deleterious by in silico analysis. Since supporting evidence is limited at this time, the clinical significance of this alteration remains unclear.

Labcorp Genetics (formerly Invitae), Labcorp
Classification: Uncertain significance for Hereditary nonpolyposis colorectal neoplasms. Last evaluated: 2024-07-23. Review status: criteria provided, single submitter. Criteria: Invitae Variant Classification Sherloc (09022015). Collection method: clinical testing. Allele origin: germline.
Comment: This sequence change replaces aspartic acid, which is acidic and polar, with glycine, which is neutral and non-polar, at codon 1058 of the MSH6 protein (p.Asp1058Gly). This variant is not present in population databases (gnomAD no frequency). This variant has not been reported in the literature in individuals affected with MSH6-related conditions. ClinVar contains an entry for this variant (Variation ID: 628723). An algorithm developed to predict the effect of missense changes on protein structure and function (PolyPhen-2) suggests that this variant is likely to be disruptive. In summary, the available evidence is currently insufficient to determine the role of this variant in disease. Therefore, it has been classified as a Variant of Uncertain Significance.

GeneDx
Classification: Uncertain significance. Last evaluated: 2023-12-20. Review status: criteria provided, single submitter. Criteria: GeneDx Variant Classification Process June 2021. Collection method: clinical testing. Allele origin: germline. Affected: yes.
Comment: Not observed at significant frequency in large population cohorts (gnomAD); In silico analysis supports that this missense variant has a deleterious effect on protein structure/function; Has not been previously published as pathogenic or benign to our knowledge; This variant is associated with the following publications: (PMID: 21120944, 17531815)

Color Diagnostics, LLC DBA Color Health
Classification: Uncertain significance for Hereditary cancer-predisposing syndrome. Last evaluated: 2018-12-23. Review status: criteria provided, single submitter. Criteria: ACMG Guidelines, 2015. Collection method: clinical testing. Allele origin: germline.

NM_000179.3(MSH6):c.3173A>G (p.Asp1058Gly)

Gene: MSH6 (mutS homolog 6; plus strand). Cytogenetic location: 2p16.3.
Variant type: single nucleotide variant.
Coding change: c.3173A>G on transcript NM_000179.3 (MANE Select); coding-DNA position 3173, A replaced by G.
Protein change: p.Asp1058Gly; replaces aspartic acid 1058 with glycine.
Molecular consequence: missense variant.
Genome position (GRCh38, 1-based): chr2:47,803,420, A>G. VCF-style: chr2-47803420-A-G. GRCh37 (hg19) VCF-style: chr2-48030559-A-G.
Other names: c.2783A>G, p.Asp928Gly (NM_001281492.2); c.2267A>G, p.Asp756Gly (NM_001281493.2, NM_001281494.2); short protein forms D1058G, D928G, D756G.
Identifiers: ClinVar variation 628723 (VCV000628723.20), dbSNP rs1558386744, ClinGen allele CA346757812.
Genomic context (GRCh38, chr2:47,803,420, plus strand): 5'-CACTTAGGCTGATAAAACCCCCAAACGATGAAGCCTCACTTTTACCCTCTCTTTTAACAG[A>G]TGTTTTACTGTGCCTGGCTAACTATAGTCGAGGGGGTGATGGTCCTATGTGTCGCCCAGT-3'
Protein context (NP_000170.1, residues 1048-1068): QSAVECIAVL[Asp1058Gly]VLLCLANYSR